The following is an entry in ClinVar:

NM_001162501.2(TNRC6B):c.2360G>C (p.Gly787Ala)

Gene: TNRC6B (trinucleotide repeat containing adaptor 6B; plus strand). Cytogenetic location: 22q13.1.
Variant type: single nucleotide variant.
Coding change: c.2360G>C on transcript NM_001162501.2 (MANE Select); coding-DNA position 2360, G replaced by C.
Protein change: p.Gly787Ala; replaces glycine 787 with alanine.
Molecular consequence: missense variant. On other transcripts: intron variant (1).
Genome position (GRCh38, 1-based): chr22:40,266,590, G>C. VCF-style: chr22-40266590-G-C. GRCh37 (hg19) VCF-style: chr22-40662594-G-C.
Other names: c.2360G>C, p.Gly787Ala (NM_015088.3); c.566-3532G>C (NM_001024843.2); short protein forms G787A.
Identifiers: ClinVar variation 2242113 (VCV002242113.4), dbSNP rs377635719, ClinGen allele CA10246824.
Genomic context (GRCh38, chr22:40,266,590, plus strand): 5'-AACCTGTGTCTGGGTGGGGTGAAGGAGGGCAGAATGAAATCGGGACTTGGGGTAATGGTG[G>C]CAATGCAAGCCTAGCTTCAAAAGGTGGGTGGGAGGATTGCAAAAGATCCCCAGCATGGAA-3'
Protein context (NP_001155973.1, residues 777-797): QNEIGTWGNG[Gly787Ala]NASLASKGGW

ClinVar aggregate classification (germline): Uncertain significance. Review status: criteria provided, multiple submitters, no conflicts (2 of 4 stars). 2 submissions from 2 submitters: Uncertain significance (2). Last evaluated 2025-01-20.

Conditions:
Inborn genetic diseases. Identifiers: MedGen C0950123, MeSH D030342.

Allele frequency attached by ClinVar (database versions not stated): gnomAD 0.00003; ExAC 0.00001; TOPMed 0.00006; ESP Exome Variant Server 0.00008.
gnomAD v4.1: 7 of 1,612,732 alleles (0.00043%); highest among the groups gnomAD compares: African/African-American, 0.0093%; no homozygotes.

Submissions (2):

Dasa
Classification: Uncertain significance. Last evaluated: 2025-01-20. Review status: criteria provided, single submitter. Criteria: DASA Assertion Criteria. Collection method: clinical testing. Allele origin: germline.
Comment: NM_001162501.2(TNRC6B):c.2360G>C (p.Gly787Ala) is a missense variant that results in the substitution of glycine with alanine. This variant is rare in population databases. Computational prediction algorithms are consistent with a benign effect. The currently available literature and clinical evidence are not sufficient to establish a definitive association between this variant and the reported condition. Therefore, this variant is classified as a variant of uncertain significance.

Ambry Genetics
Classification: Uncertain significance for Inborn genetic diseases. Last evaluated: 2021-08-09. Review status: criteria provided, single submitter. Criteria: Ambry Variant Classification Scheme 2023. Collection method: clinical testing. Allele origin: germline.